The following is an entry in ClinVar:

NM_000535.7(PMS2):c.1092T>C (p.Asp364=)

Gene: PMS2 (PMS1 homolog 2, mismatch repair system component; minus strand). Cytogenetic location: 7p22.1.
Variant type: single nucleotide variant.
Coding change: c.1092T>C on transcript NM_000535.7 (MANE Select); coding-DNA position 1092, T replaced by C.
Protein change: p.Asp364=; no amino-acid change (aspartic acid 364 retained).
Molecular consequence: synonymous variant. On other transcripts: non-coding transcript variant (1), intron variant (2).
Genome position (GRCh38, 1-based): chr7:5,989,852, A>G on the plus strand (T>C on the coding strand, the complement: PMS2 is on the minus strand). VCF-style: chr7-5989852-A-G. GRCh37 (hg19) VCF-style: chr7-6029483-A-G.
Other names: c.687T>C, p.Asp229= (NM_001322003.2, NM_001322004.2, NM_001322005.2 and 1 more transcripts); c.774T>C, p.Asp258= (NM_001322007.2, NM_001322008.2); c.159T>C, p.Asp53= (NM_001322011.2, NM_001322012.2); c.519T>C, p.Asp173= (NM_001322013.2); c.1092T>C, p.Asp364= (NM_001322014.2); c.783T>C, p.Asp261= (NM_001322015.2); c.583+2121T>C (NM_001322010.2); c.988+2121T>C (NM_001322006.2).
Identifiers: ClinVar variation 515770 (VCV000515770.7), dbSNP rs370066853, ClinGen allele CA453644123.

ClinVar aggregate classification (germline): Benign/Likely benign. Review status: criteria provided, multiple submitters, no conflicts (2 of 4 stars). 4 submissions from 4 submitters: Benign (1); Likely benign (3). Last evaluated 2026-03-25.

Conditions:
Hereditary nonpolyposis colorectal neoplasms. Identifiers: MedGen C0009405, MeSH D003123.
Hereditary cancer-predisposing syndrome. Also called: Tumor predisposition; Hereditary neoplastic syndrome; Neoplastic Syndromes, Hereditary; Hereditary Cancer Syndrome. Identifiers: Orphanet 140162, MedGen C0027672, MeSH D009386, MONDO:0015356.
Lynch syndrome 4 (LYNCH4). Also called: Hereditary non-polyposis colorectal cancer, type 4; Colorectal cancer, hereditary nonpolyposis, type 4. Identifiers: Orphanet 144, MedGen C1838333, MONDO:0013699, OMIM 614337. Disease mechanism: loss of function.

Submissions (4):

Ambry Genetics
Classification: Likely benign for Hereditary cancer-predisposing syndrome. Last evaluated: 2026-03-25. Review status: criteria provided, single submitter. Criteria: Ambry Variant Classification Scheme 2023. Collection method: clinical testing. Allele origin: germline.

Myriad Genetics, Inc.
Classification: Benign for Lynch syndrome 4. Last evaluated: 2025-01-29. Review status: criteria provided, single submitter. Criteria: Myriad Autosomal Dominant, Autosomal Recessive and X-Linked Classification Criteria (2023). Collection method: clinical testing. Allele origin: unknown.
Comment: This variant is considered benign. This variant is a silent/synonymous amino acid change and it is not expected to impact splicing.

Labcorp Genetics (formerly Invitae), Labcorp
Classification: Likely benign for Hereditary nonpolyposis colorectal neoplasms. Last evaluated: 2022-05-13. Review status: criteria provided, single submitter. Criteria: Invitae Variant Classification Sherloc (09022015). Collection method: clinical testing. Allele origin: germline.

GeneDx
Classification: Likely benign. Last evaluated: 2018-02-23. Review status: criteria provided, single submitter. Criteria: GeneDx Variant Classification (06012015). Collection method: clinical testing. Allele origin: germline. Affected: yes.
Comment: This variant is considered likely benign or benign based on one or more of the following criteria: it is a conservative change, it occurs at a poorly conserved position in the protein, it is predicted to be benign by multiple in silico algorithms, and/or has population frequency not consistent with disease.